The following is an entry in ClinVar:

ClinVar aggregate classification (germline): Uncertain significance. Review status: criteria provided, multiple submitters, no conflicts (2 of 4 stars). 3 submissions from 3 submitters: Uncertain significance (3). Last evaluated 2026-01-19.

Conditions:
Cardiovascular phenotype. Identifiers: MedGen CN230736.
Primary familial hypertrophic cardiomyopathy (HCM). Identifiers: Orphanet 99739, MedGen C0949658, MeSH D024741, MONDO:0024573. Inheritance: Various modes of inheritance.
Hypertrophic cardiomyopathy 25 (CMH25). Also called: CARDIOMYOPATHY, FAMILIAL HYPERTROPHIC, 25. Identifiers: MedGen C4225408, MONDO:0011843, OMIM 607487.
Autosomal recessive limb-girdle muscular dystrophy type 2G (LGMDR7). Also called: Limb-girdle muscular dystrophy, type 2G; Telethoninopathy; MUSCULAR DYSTROPHY, LIMB-GIRDLE, AUTOSOMAL RECESSIVE 7. Identifiers: Orphanet 34514, MedGen C1866008, MONDO:0011170, OMIM 601954.

Allele frequency attached by ClinVar (database versions not stated): gnomAD 0.00002; TOPMed 0.00002.

Submissions (3):

Labcorp Genetics (formerly Invitae), Labcorp
Classification: Uncertain significance for Hypertrophic cardiomyopathy 25; Primary familial hypertrophic cardiomyopathy. Last evaluated: 2026-01-19. Review status: criteria provided, single submitter. Criteria: Invitae Variant Classification Sherloc (09022015). Collection method: clinical testing. Allele origin: germline.
Comment: This sequence change replaces arginine, which is basic and polar, with serine, which is neutral and polar, at codon 153 of the TCAP protein (p.Arg153Ser). This variant is present in population databases (rs761498487, gnomAD 0.004%). This variant has not been reported in the literature in individuals affected with TCAP-related conditions. ClinVar contains an entry for this variant (Variation ID: 1019345). An algorithm developed to predict the effect of missense changes on protein structure and function (PolyPhen-2) suggests that this variant is likely to be tolerated. In summary, the available evidence is currently insufficient to determine the role of this variant in disease. Therefore, it has been classified as a Variant of Uncertain Significance.

Ambry Genetics
Classification: Uncertain significance for Cardiovascular phenotype. Last evaluated: 2024-07-10. Review status: criteria provided, single submitter. Criteria: Ambry Variant Classification Scheme 2023. Collection method: clinical testing. Allele origin: germline.
Comment: The p.R153S variant (also known as c.457C>A), located in coding exon 2 of the TCAP gene, results from a C to A substitution at nucleotide position 457. The arginine at codon 153 is replaced by serine, an amino acid with dissimilar properties. This amino acid position is not well conserved in available vertebrate species. In addition, this alteration is predicted to be tolerated by in silico analysis. Based on the available evidence, the clinical significance of this variant remains unclear.

Fulgent Genetics
Classification: Uncertain significance for Autosomal recessive limb-girdle muscular dystrophy type 2G; Hypertrophic cardiomyopathy 25. Last evaluated: 2021-10-13. Review status: criteria provided, single submitter. Criteria: ACMG Guidelines, 2015. Collection method: clinical testing. Allele origin: unknown.

NM_003673.4(TCAP):c.457C>A (p.Arg153Ser)

Gene: TCAP (titin-cap; plus strand). Cytogenetic location: 17q12.
Variant type: single nucleotide variant.
Coding change: c.457C>A on transcript NM_003673.4 (MANE Select); coding-DNA position 457, C replaced by A.
Protein change: p.Arg153Ser; replaces arginine 153 with serine.
Molecular consequence: missense variant.
Genome position (GRCh38, 1-based): chr17:39,666,062, C>A. VCF-style: chr17-39666062-C-A. GRCh37 (hg19) VCF-style: chr17-37822315-C-A.
Other names: c.457C>A (NM_003673.3); short protein forms R153S.
Identifiers: ClinVar variation 1019345 (VCV001019345.8), dbSNP rs761498487, ClinGen allele CA8532913.
Genomic context (GRCh38, chr17:39,666,062, plus strand): 5'-GTGGCTGAGATCACAAAGCAGCTGCCCCCTGTGGTGCCTGTCAGCAAGCCCGGTGCACTT[C>A]GTCGCTCCCTGTCCCGCTCCATGTCCCAGGAAGCACAGAGAGGCTGAGAGGGACTGTGAC-3'
Protein context (NP_003664.1, residues 143-163): VVPVSKPGAL[Arg153Ser]RSLSRSMSQE